The following is an entry in ClinVar:

NM_001845.6(COL4A1):c.4759A>G (p.Thr1587Ala)

Gene: COL4A1 (collagen type IV alpha 1 chain; minus strand). Cytogenetic location: 13q34.
Variant type: single nucleotide variant.
Coding change: c.4759A>G on transcript NM_001845.6 (MANE Select); coding-DNA position 4759, A replaced by G.
Protein change: p.Thr1587Ala; replaces threonine 1587 with alanine.
Molecular consequence: missense variant.
Genome position (GRCh38, 1-based): chr13:110,152,503, T>C on the plus strand (A>G on the coding strand, the complement: COL4A1 is on the minus strand). VCF-style: chr13-110152503-T-C. GRCh37 (hg19) VCF-style: chr13-110804850-T-C.
Other names: short protein forms T1587A.
Identifiers: ClinVar variation 3907658 (VCV003907658.2).
Genomic context (GRCh38, chr13:110,152,503, plus strand): 5'-CCTCCAGGCAGGAGCCGGGGGACGCCAGGGCTTGGCCAGAGCCTTCTGCACCAGCGCTGG[T>C]GTGCTGCAGAACAGATGCGAGCCGTGAGTCAGAGGTTCCCTCCCCAAACACCAGGAAAGA-3'
Protein context (NP_001836.3, residues 1577-1597): LWIGYSFVMH[Thr1587Ala]SAGAEGSGQA

ClinVar aggregate classification (germline): Uncertain significance. Review status: criteria provided, multiple submitters, no conflicts (2 of 4 stars). 2 submissions from 2 submitters: Uncertain significance (2). Last evaluated 2025-06-04.

Conditions:
Autosomal dominant familial hematuria-retinal arteriolar tortuosity-contractures syndrome. Also called: Angiopathy, hereditary, with nephropathy, aneurysms, and muscle cramps; Hereditary Angiopathy with Nephropathy, Aneurysms, and Muscle Cramps (HANAC) Syndrome. Identifiers: Orphanet 73229, MedGen C2673195, MONDO:0012726, OMIM 611773.

gnomAD v4.1: 11 of 1,611,210 alleles (0.00068%); highest among the groups gnomAD compares: Non-Finnish European, 0.00093%; no homozygotes.

Submissions (2):

MVZ Medizinische Genetik Mainz
Classification: Uncertain significance for Autosomal dominant familial hematuria-retinal arteriolar tortuosity-contractures syndrome. Last evaluated: 2025-06-04. Review status: criteria provided, single submitter. Criteria: UK Practice Guidelines For Variant Classification V4 01 2020. Collection method: clinical testing. Allele origin: germline. Inheritance: Autosomal dominant inheritance. Affected: yes. Observed: 1 variant allele.
Comment: ACMG Criteria: PP3_STR,PM2_SUP

Labcorp Genetics (formerly Invitae), Labcorp
Classification: Uncertain significance. Last evaluated: 2025-03-20. Review status: criteria provided, single submitter. Criteria: Invitae Variant Classification Sherloc (09022015). Collection method: clinical testing. Allele origin: germline.
Comment: This sequence change replaces threonine, which is neutral and polar, with alanine, which is neutral and non-polar, at codon 1587 of the COL4A1 protein (p.Thr1587Ala). This variant is not present in population databases (gnomAD no frequency). This variant has not been reported in the literature in individuals affected with COL4A1-related conditions. Invitae Evidence Modeling of protein sequence and biophysical properties (such as structural, functional, and spatial information, amino acid conservation, physicochemical variation, residue mobility, and thermodynamic stability) has been performed for this missense variant. However, the output from this modeling did not meet the statistical confidence thresholds required to predict the impact of this variant on COL4A1 protein function. In summary, the available evidence is currently insufficient to determine the role of this variant in disease. Therefore, it has been classified as a Variant of Uncertain Significance.